The following is an entry in ClinVar:

ClinVar aggregate classification (germline): Uncertain significance (1 of 4 stars; one submission).

gnomAD v4.1: 1 of 1,551,686 alleles (0.000064%); highest among the groups gnomAD compares: East Asian, 0.0024%; no homozygotes.

Submission:

Labcorp Genetics (formerly Invitae), Labcorp
Classification: Uncertain significance. Last evaluated: 2024-03-04. Review status: criteria provided, single submitter. Criteria: Invitae Variant Classification Sherloc (09022015). Collection method: clinical testing. Allele origin: germline.
Comment: This sequence change replaces threonine, which is neutral and polar, with asparagine, which is neutral and polar, at codon 2513 of the EYS protein (p.Thr2513Asn). This variant is present in population databases (no rsID available, gnomAD 0.01%). This variant has not been reported in the literature in individuals affected with EYS-related conditions. ClinVar contains an entry for this variant (Variation ID: 1947390). Advanced modeling of protein sequence and biophysical properties (such as structural, functional, and spatial information, amino acid conservation, physicochemical variation, residue mobility, and thermodynamic stability) has been performed at Invitae for this missense variant, however the output from this modeling did not meet the statistical confidence thresholds required to predict the impact of this variant on EYS protein function. In summary, the available evidence is currently insufficient to determine the role of this variant in disease. Therefore, it has been classified as a Variant of Uncertain Significance.

NM_001142800.2(EYS):c.7538C>A (p.Thr2513Asn)

Gene: EYS (EGF-like photoreceptor maintenance factor; minus strand). Cytogenetic location: 6q12.
Variant type: single nucleotide variant.
Coding change: c.7538C>A on transcript NM_001142800.2 (MANE Select); coding-DNA position 7538, C replaced by A.
Protein change: p.Thr2513Asn; replaces threonine 2513 with asparagine.
Molecular consequence: missense variant.
Genome position (GRCh38, 1-based): chr6:63,789,098, G>T on the plus strand (C>A on the coding strand, the complement: EYS is on the minus strand). VCF-style: chr6-63789098-G-T. GRCh37 (hg19) VCF-style: chr6-64498991-G-T.
Other names: c.7538C>A, p.Thr2513Asn (NM_001292009.2); short protein forms T2513N.
Identifiers: ClinVar variation 1947390 (VCV001947390.5), dbSNP rs1472840777, ClinGen allele CA364385675.